The following is an entry in ClinVar:

ClinVar aggregate classification (germline): Uncertain significance (1 of 4 stars; one submission).

Submission:

Labcorp Genetics (formerly Invitae), Labcorp
Classification: Uncertain significance. Last evaluated: 2022-05-05. Review status: criteria provided, single submitter. Criteria: Invitae Variant Classification Sherloc (09022015). Collection method: clinical testing. Allele origin: germline.
Comment: In summary, the available evidence is currently insufficient to determine the role of this variant in disease. Therefore, it has been classified as a Variant of Uncertain Significance. Variants that disrupt the consensus splice site are a relatively common cause of aberrant splicing (PMID: 17576681, 9536098). This variant has not been reported in the literature in individuals affected with HYOU1-related conditions. This variant is not present in population databases (gnomAD no frequency). This sequence change falls in intron 13 of the HYOU1 gene. It does not directly change the encoded amino acid sequence of the HYOU1 protein. It affects a nucleotide within the consensus splice site.

Literature cited by the submitters: PubMed 17576681; PubMed 9536098.

NM_006389.5(HYOU1):c.1526+13G>A

Gene: HYOU1 (hypoxia up-regulated 1; minus strand). Cytogenetic location: 11q23.3.
Variant type: single nucleotide variant.
Coding change: c.1526+13G>A on transcript NM_006389.5 (MANE Select); 13 bases into the intron after coding-DNA position 1526, G replaced by A.
Molecular consequence: intron variant.
Genome position (GRCh38, 1-based): chr11:119,051,425, C>T on the plus strand (G>A on the coding strand, the complement: HYOU1 is on the minus strand). VCF-style: chr11-119051425-C-T. GRCh37 (hg19) VCF-style: chr11-118922137-C-T.
Other names: c.1526+13G>A (NM_001130991.3).
Identifiers: ClinVar variation 1988254 (VCV001988254.4), dbSNP rs2497159242, ClinGen allele CA2580083611.